The following is an entry in ClinVar:

NM_020639.3(RIPK4):c.*275T>C

Gene: RIPK4 (receptor interacting serine/threonine kinase 4; minus strand). Cytogenetic location: 21q22.3.
Variant type: single nucleotide variant.
Coding change: c.*275T>C on transcript NM_020639.3 (MANE Select); 275 bases downstream of the stop codon, T replaced by C.
Molecular consequence: 3 prime UTR variant.
Genome position (GRCh38, 1-based): chr21:41,740,563, A>G on the plus strand (T>C on the coding strand, the complement: RIPK4 is on the minus strand). VCF-style: chr21-41740563-A-G. GRCh37 (hg19) VCF-style: chr21-43160723-A-G.
Identifiers: ClinVar variation 340001 (VCV000340001.9), dbSNP rs73369674, ClinGen allele CA10650508.
Genomic context (GRCh38, chr21:41,740,563, plus strand): 5'-GAGAGAGTGGATGCTTCCACGCCTGGGGCTTCATCACTGAGAGACCAGCCTCAGCGACCC[A>G]TTAGGAGCACAACGAAATGATTCTGACCCACGGTCCCTTCAGACAGCAGGTGCCTAGATC-3'

ClinVar aggregate classification (germline): Benign/Likely benign. Review status: criteria provided, multiple submitters, no conflicts (2 of 4 stars). 3 submissions from 3 submitters: Benign (1); Likely benign (2). Last evaluated 2020-01-16.

Conditions:
Bartsocas-Papas syndrome 1. Also called: Bartsocas-Papas syndrome; MULTIPLE PTERYGIUM SYNDROME, ASLAN TYPE; PTERYGIUM, POPLITEAL, LETHAL TYPE. Identifiers: Orphanet 1234, MedGen C1849718, MONDO:0009901, OMIM 263650.

Allele frequency attached by ClinVar (database versions not stated): gnomAD exomes 0.00666; gnomAD 0.04912 and 0.05243; TOPMed 0.05485; 1000 Genomes Project 0.05751; 1000 Genomes Project 30x 0.06168.

Submissions (3):

GeneDx
Classification: Benign. Last evaluated: 2020-01-16. Review status: criteria provided, single submitter. Criteria: GeneDx Variant Classification Process June 2021. Collection method: clinical testing. Allele origin: germline. Affected: yes.

Illumina Laboratory Services, Illumina
Classification: Likely benign for Bartsocas-Papas syndrome 1. Last evaluated: 2017-04-27. Review status: criteria provided, single submitter. Criteria: ICSL Variant Classification Criteria 13 December 2019. Collection method: clinical testing. Allele origin: germline.
Comment: This variant was observed as part of a predisposition screen in an ostensibly healthy population. A literature search was performed for the gene, cDNA change, and amino acid change (where applicable). No publications were found based on this search. Allele frequency data from public databases allowed determination this variant is unlikely to cause disease. Therefore, this variant is classified as likely benign.

Breakthrough Genomics
Classification: Likely benign. Review status: criteria provided, single submitter. Criteria: ACMG Guidelines, 2015. Collection method: not provided. Allele origin: germline. Inheritance: Autosomal recessive inheritance. Affected: yes.